The following is an entry in ClinVar:

ClinVar aggregate classification (germline): Conflicting classifications of pathogenicity. Review status: criteria provided, conflicting classifications (1 of 4 stars). 2 submissions from 2 submitters: Uncertain significance (1); Likely benign (1). Last evaluated 2025-08-18.

Allele frequency attached by ClinVar (database versions not stated): gnomAD 0.00005; gnomAD exomes 0.00001; ExAC 0.00001; TOPMed 0.00002.
gnomAD v4.1: 27 of 1,613,132 alleles (0.0017%); highest among the groups gnomAD compares: African/African-American, 0.0027%; no homozygotes.

Submissions (2):

Labcorp Genetics (formerly Invitae), Labcorp
Classification: Uncertain significance. Last evaluated: 2025-08-18. Review status: criteria provided, single submitter. Criteria: Invitae Variant Classification Sherloc (09022015). Collection method: clinical testing. Allele origin: germline.
Comment: This sequence change replaces alanine, which is neutral and non-polar, with threonine, which is neutral and polar, at codon 811 of the MICAL1 protein (p.Ala811Thr). This variant is present in population databases (rs199624824, gnomAD 0.002%). This variant has not been reported in the literature in individuals affected with MICAL1-related conditions. ClinVar contains an entry for this variant (Variation ID: 3126127). An algorithm developed to predict the effect of missense changes on protein structure and function outputs the following: PolyPhen-2: "Benign". The threonine amino acid residue is found in multiple mammalian species, which suggests that this missense change does not adversely affect protein function. In summary, the available evidence is currently insufficient to determine the role of this variant in disease. Therefore, it has been classified as a Variant of Uncertain Significance.

Ambry Genetics
Classification: Likely benign. Last evaluated: 2024-02-13. Review status: criteria provided, single submitter. Criteria: Ambry Variant Classification Scheme 2023. Collection method: clinical testing. Allele origin: germline.

NM_022765.4(MICAL1):c.2374G>A (p.Ala792Thr)

Gene: MICAL1 (microtubule associated monooxygenase, calponin and LIM domain containing 1; minus strand). Cytogenetic location: 6q21.
Variant type: single nucleotide variant.
Coding change: c.2374G>A on transcript NM_022765.4 (MANE Select); coding-DNA position 2374, G replaced by A.
Protein change: p.Ala792Thr; replaces alanine 792 with threonine.
Molecular consequence: missense variant.
Genome position (GRCh38, 1-based): chr6:109,446,343, C>T on the plus strand (G>A on the coding strand, the complement: MICAL1 is on the minus strand). VCF-style: chr6-109446343-C-T. GRCh37 (hg19) VCF-style: chr6-109767546-C-T.
Other names: c.2116G>A, p.Ala706Thr (NM_001159291.2); c.2431G>A, p.Ala811Thr (NM_001286613.2); short protein forms A811T, A706T, A792T.
Identifiers: ClinVar variation 3126127 (VCV003126127.3), dbSNP rs199624824, ClinGen allele CA3952915.
Genomic context (GRCh38, chr6:109,446,343, plus strand): 5'-CCGGGCTGGAGAGGCGGATCTGCCGACGGGTGGGCTGGCTGGGATCTGGAACAGGACCGG[C>T]CCCCTCCTGCGAGGCTGTGGGAGTTGAGAGGCCTGGTGGCATGCTATTCTCACTTGGTGT-3'
Protein context (NP_073602.3, residues 782-802): LSTPTASQEG[Ala792Thr]GPVPDPSQPT